The following is an entry in ClinVar:

ClinVar aggregate classification (germline): Uncertain significance (1 of 4 stars; one submission).

Allele frequency attached by ClinVar (database versions not stated): gnomAD exomes below 0.00001.
gnomAD v4.1: 1 of 1,614,056 alleles (0.000062%); highest among the groups gnomAD compares: Non-Finnish European, 0.000085%; no homozygotes.

Submission:

CeGaT Center for Human Genetics Tuebingen
Classification: Uncertain significance. Last evaluated: 2022-08-01. Review status: criteria provided, single submitter. Criteria: CeGaT Center For Human Genetics Tuebingen Variant Classification Criteria Version 2. Collection method: clinical testing. Allele origin: germline. Affected: yes. Observed: 1 variant allele.
Comment: ZNF462: PM2

NM_021224.6(ZNF462):c.2121T>G (p.Ile707Met)

Gene: ZNF462 (zinc finger protein 462; plus strand). Cytogenetic location: 9q31.2.
Variant type: single nucleotide variant.
Coding change: c.2121T>G on transcript NM_021224.6 (MANE Select); coding-DNA position 2121, T replaced by G.
Protein change: p.Ile707Met; replaces isoleucine 707 with methionine.
Molecular consequence: missense variant.
Genome position (GRCh38, 1-based): chr9:106,926,033, T>G. VCF-style: chr9-106926033-T-G. GRCh37 (hg19) VCF-style: chr9-109688314-T-G.
Other names: c.2121T>G, p.Ile707Met (NM_001347997.2); short protein forms I707M.
Identifiers: ClinVar variation 1711691 (VCV001711691.30), dbSNP rs2538748771, ClinGen allele CA374387995.
Genomic context (GRCh38, chr9:106,926,033, plus strand): 5'-GTCACCCGTGAAGAAGAGAACCAGGATTGACGAGATAGCAAGCAACCTTCAGAGCAAAAT[T>G]AACCAAACCAAACAGCAGGAAGATGCAGTGATCAATGTTGAGGATGATGAAGAGGAAGAG-3'
Protein context (NP_067047.4, residues 697-717): DEIASNLQSK[Ile707Met]NQTKQQEDAV